The following is an entry in ClinVar:

NM_000535.7(PMS2):c.1103A>G (p.Asn368Ser)

Gene: PMS2 (PMS1 homolog 2, mismatch repair system component; minus strand). Cytogenetic location: 7p22.1.
Variant type: single nucleotide variant.
Coding change: c.1103A>G on transcript NM_000535.7 (MANE Select); coding-DNA position 1103, A replaced by G.
Protein change: p.Asn368Ser; replaces asparagine 368 with serine.
Molecular consequence: missense variant. On other transcripts: non-coding transcript variant (1), intron variant (2).
Genome position (GRCh38, 1-based): chr7:5,989,841, T>C on the plus strand (A>G on the coding strand, the complement: PMS2 is on the minus strand). VCF-style: chr7-5989841-T-C. GRCh37 (hg19) VCF-style: chr7-6029472-T-C.
Other names: c.698A>G, p.Asn233Ser (NM_001322003.2, NM_001322004.2, NM_001322005.2 and 1 more transcripts); c.785A>G, p.Asn262Ser (NM_001322007.2, NM_001322008.2); c.170A>G, p.Asn57Ser (NM_001322011.2, NM_001322012.2); c.530A>G, p.Asn177Ser (NM_001322013.2); c.1103A>G, p.Asn368Ser (NM_001322014.2); c.794A>G, p.Asn265Ser (NM_001322015.2); c.583+2132A>G (NM_001322010.2); c.988+2132A>G (NM_001322006.2); short protein forms N368S, N233S, N262S, N177S, N265S, N57S.
Identifiers: ClinVar variation 219486 (VCV000219486.28), dbSNP rs777814445, ClinGen allele CA041948.

ClinVar aggregate classification (germline): Conflicting classifications of pathogenicity. Review status: criteria provided, conflicting classifications (1 of 4 stars). 9 submissions from 9 submitters: Uncertain significance (7); VUS-mid (1); Benign (1). Last evaluated 2026-04-21.

Conditions:
Lynch syndrome 4 (LYNCH4). Also called: Colorectal cancer, hereditary nonpolyposis, type 4; Hereditary non-polyposis colorectal cancer, type 4. Identifiers: Orphanet 144, MedGen C1838333, MONDO:0013699, OMIM 614337. Disease mechanism: loss of function.
Mismatch repair cancer syndrome 4. Identifiers: MedGen C5436817, MONDO:0030843, OMIM 619101.
PMS2-related disorder. Also called: PMS2-related condition.
Hereditary nonpolyposis colorectal neoplasms. Identifiers: MedGen C0009405, MeSH D003123.
Hereditary cancer-predisposing syndrome. Also called: Neoplastic Syndromes, Hereditary; Tumor predisposition; Hereditary Cancer Syndrome; Hereditary neoplastic syndrome. Identifiers: Orphanet 140162, MedGen C0027672, MeSH D009386, MONDO:0015356.
Lynch syndrome. Identifiers: Orphanet 144, MedGen C4552100, MONDO:0005835. Disease mechanism: loss of function.

Allele frequency attached by ClinVar (database versions not stated): TOPMed 0.00001; ExAC 0.00002; gnomAD exomes 0.00002.

Submissions (9):

Centre for Medical Genetics,  Mumbai
Classification: VUS-mid for Lynch syndrome 4. Last evaluated: 2026-04-21. Review status: criteria provided, single submitter. Criteria: ACMG Guidelines, 2015. Collection method: provider interpretation. Allele origin: germline. Inheritance: Autosomal dominant inheritance. Affected: no. Observed: 1 variant allele, 1 heterozygote.
Comment: The variant satisfies PM2 criteria - extremely low frequency in gnomAD population databases. Due to lack of sufficient clinical evidence, the variant should be considered as a variant of uncertain significance (mid VUS according to Bayesian framework)

PreventionGenetics, part of Exact Sciences
Classification: Uncertain significance for PMS2-related condition. Last evaluated: 2026-02-05. Review status: criteria provided, single submitter. Criteria: ACMG Guidelines, 2015. Collection method: clinical testing. Allele origin: germline.
Comment: The PMS2 c.1103A>G variant is predicted to result in the amino acid substitution p.Asn368Ser. This variant was reported in an individual that had hereditary cancer panel testing; personal and family history of cancer was unknown (de Oliveira et al. 2022. PubMed ID: 35534704). This variant is reported in 0.020% of alleles in individuals of South Asian descent in gnomAD. This variant is interpreted as uncertain in ClinVar (Variation ID: 219486). At this time, the clinical significance of this variant is uncertain due to the absence of conclusive functional and genetic evidence.

Labcorp Genetics (formerly Invitae), Labcorp
Classification: Benign for Hereditary nonpolyposis colorectal neoplasms. Last evaluated: 2025-11-30. Review status: criteria provided, single submitter. Criteria: Invitae Variant Classification Sherloc (09022015). Collection method: clinical testing. Allele origin: germline.

Ambry Genetics
Classification: Uncertain significance for Hereditary cancer-predisposing syndrome. Last evaluated: 2025-06-28. Review status: criteria provided, single submitter. Criteria: Ambry Variant Classification Scheme 2023. Collection method: clinical testing. Allele origin: germline.
Comment: The p.N368S variant (also known as c.1103A>G), located in coding exon 10 of the PMS2 gene, results from an A to G substitution at nucleotide position 1103. The asparagine at codon 368 is replaced by serine, an amino acid with highly similar properties. This amino acid position is well conserved in available vertebrate species. In addition, the in silico prediction for this alteration is inconclusive. Based on the available evidence, the clinical significance of this variant remains unclear.

All of Us Research Program, National Institutes of Health
Classification: Uncertain significance for Lynch syndrome. Last evaluated: 2024-06-09. Review status: criteria provided, single submitter. Criteria: ACMG Guidelines, 2015. Collection method: clinical testing. Allele origin: germline. Inheritance: Autosomal dominant inheritance. Observed: 1 variant allele, 1 heterozygote.
Comment: This missense variant replaces asparagine with serine at codon 368 of the PMS2 protein. Computational prediction suggests that this variant may not impact protein structure and function (internally defined REVEL score threshold <= 0.5, PMID: 27666373). To our knowledge, functional studies have not been reported for this variant. This variant has not been reported in individuals affected with PMS2-related disorders in the literature. This variant has been identified in 6/251292 chromosomes in the general population by the Genome Aggregation Database (gnomAD). The available evidence is insufficient to determine the role of this variant in disease conclusively. Therefore, this variant is classified as a Variant of Uncertain Significance.

This study involves interpretation of variants in research participants for the purpose of population health screening. Participant phenotype was not available at the time of variant classification. Additional details can be found in publication PMID: 35346344, PMCID: PMC8962531

Baylor Genetics
Classification: Uncertain significance for Lynch syndrome 4. Last evaluated: 2024-03-29. Review status: criteria provided, single submitter. Criteria: ACMG Guidelines, 2015. Collection method: clinical testing. Allele origin: unknown.

GeneDx
Classification: Uncertain significance. Last evaluated: 2024-03-20. Review status: criteria provided, single submitter. Criteria: GeneDx Variant Classification Process June 2021. Collection method: clinical testing. Allele origin: germline. Affected: yes.
Comment: In silico analysis supports that this missense variant does not alter protein structure/function; Has not been previously published as pathogenic or benign to our knowledge; This variant is associated with the following publications: (PMID: 35534704)

Fulgent Genetics
Classification: Uncertain significance for Lynch syndrome 4; Mismatch repair cancer syndrome 4. Last evaluated: 2024-03-10. Review status: criteria provided, single submitter. Criteria: ACMG Guidelines, 2015. Collection method: clinical testing. Allele origin: germline.

Color Diagnostics, LLC DBA Color Health
Classification: Uncertain significance for Hereditary cancer-predisposing syndrome. Last evaluated: 2023-11-20. Review status: criteria provided, single submitter. Criteria: ACMG Guidelines, 2015. Collection method: clinical testing. Allele origin: germline.
Comment: This missense variant replaces asparagine with serine at codon 368 of the PMS2 protein. Computational prediction suggests that this variant may not impact protein structure and function (internally defined REVEL score threshold <= 0.5, PMID: 27666373). To our knowledge, functional studies have not been reported for this variant. This variant has not been reported in individuals affected with PMS2-related disorders in the literature. This variant has been identified in 6/251292 chromosomes in the general population by the Genome Aggregation Database (gnomAD). The available evidence is insufficient to determine the role of this variant in disease conclusively. Therefore, this variant is classified as a Variant of Uncertain Significance.

Literature cited by the submitters: PubMed 18178629 (cited by Centre for Medical Genetics,  Mumbai).